The following is an entry in ClinVar:

NM_001367916.1(MAGT1):c.278C>T (p.Ala93Val)

Gene: MAGT1 (magnesium transporter 1; minus strand). Cytogenetic location: Xq21.1.
Variant type: single nucleotide variant.
Coding change: c.278C>T on transcript NM_001367916.1 (MANE Select); coding-DNA position 278, C replaced by T.
Protein change: p.Ala93Val; replaces alanine 93 with valine.
Molecular consequence: missense variant.
Genome position (GRCh38, 1-based): chrX:77,870,920, G>A on the plus strand (C>T on the coding strand, the complement: MAGT1 is on the minus strand). VCF-style: chrX-77870920-G-A. GRCh37 (hg19) VCF-style: chrX-77126417-G-A.
Other names: c.374C>T, p.Ala125Val (NM_032121.5); short protein forms A125V, A93V.
Identifiers: ClinVar variation 4874867 (VCV004874867.2).

ClinVar aggregate classification (germline): Uncertain significance (1 of 4 stars; one submission).

Submission:

CeGaT Center for Human Genetics Tuebingen
Classification: Uncertain significance. Last evaluated: 2026-04-01. Review status: criteria provided, single submitter. Criteria: CeGaT Center For Human Genetics Tuebingen Variant Classification Criteria Version 2. Collection method: clinical testing. Allele origin: germline. Affected: yes. Observed: 1 variant allele.
Comment: MAGT1: PM2